The following is an entry in ClinVar:

ClinVar aggregate classification (germline): Benign (0 of 4 stars; one submission).

Conditions:
ZFHX3-related disorder. Also called: ZFHX3-related condition.

Submission:

PreventionGenetics, part of Exact Sciences
Classification: Benign for ZFHX3-related condition. Last evaluated: 2019-06-11. Review status: no assertion criteria provided. Collection method: clinical testing. Allele origin: germline.
Comment: This variant is classified as benign based on ACMG/AMP sequence variant interpretation guidelines (Richards et al. 2015 PMID: 25741868, with internal and published modifications).

NM_006885.4(ZFHX3):c.10542CGG[4] (p.Gly3527del)

Genes: ZFHX3 (zinc finger homeobox 3; minus strand), ZFHX3-AS1 (ZFHX3 antisense RNA 1; plus strand). Cytogenetic location: 16q22.2.
Variant type: Microsatellite.
Coding change: c.10542CGG[4] on transcript NM_006885.4 (MANE Select); four copies in a row of the 3-base unit CGG starting at c.10542; the reference has five copies in a row; one copy, 3 bases deleted.
Protein change: p.Gly3527del; deletes glycine 3527.
Molecular consequence: inframe deletion.
Genome position (GRCh38, 1-based): chr16:72,787,720-72,787,722, CCG deleted on the plus strand (CGG on the coding strand, the reverse complement: ZFHX3 is on the minus strand); deleting any 3 consecutive bases within chr16:72,787,720-72,787,736 gives the same sequence; the position shown is the placement nearest the transcript's 3' end. VCF-style (leftmost placement, unchanged base first): chr16-72787719-ACCG-A. GRCh37 (hg19) VCF-style: chr16-72821618-ACCG-A.
Other names: c.7800CGG[4], p.Gly2613del (NM_001164766.2); c.10542CGG[4], p.Gly3527del (NM_001386735.1); c.10554_10556delCGG (NM_006885.3); short protein forms G2613del, G3527del.
Identifiers: ClinVar variation 3060370 (VCV003060370.2), dbSNP rs751575363, ClinGen allele CA8162412.